The following is an entry in ClinVar:

NM_000551.4(VHL):c.*391C>T

Genes: VHL (von Hippel-Lindau tumor suppressor; plus strand), LOC107303340 (3p25 von Hippel-Lindau tumor suppressor, E3 ubiquitin protein ligase Alu-mediated recombination region; plus strand). Cytogenetic location: 3p25.3.
Variant type: single nucleotide variant.
Coding change: c.*391C>T on transcript NM_000551.4 (MANE Select); 391 bases downstream of the stop codon, C replaced by T.
Molecular consequence: 3 prime UTR variant.
Genome position (GRCh38, 1-based): chr3:10,150,356, C>T. VCF-style: chr3-10150356-C-T. GRCh37 (hg19) VCF-style: chr3-10192040-C-T.
Other names: c.*587C>T (NM_001354723.2); c.*391C>T (NM_198156.3).
Identifiers: ClinVar variation 902228 (VCV000902228.4), dbSNP rs138178021, ClinGen allele CA70052897.

ClinVar aggregate classification (germline): Benign (1 of 4 stars; one submission).

Conditions:
Von Hippel-Lindau syndrome (VHLS). Also called: Von Hippel-Lindau; VHL syndrome; von Hippel–Lindau syndrome. Identifiers: Orphanet 892, MedGen C0019562, MONDO:0008667, OMIM 193300. Disease mechanism: loss of function.

Allele frequency attached by ClinVar (database versions not stated): gnomAD exomes 0.00004; gnomAD 0.00020 and 0.00022; TOPMed 0.00043; 1000 Genomes Project 0.00060; 1000 Genomes Project 30x 0.00062.
gnomAD v4.1: 78 of 1,227,994 alleles (0.0064%); highest among the groups gnomAD compares: Admixed American, 0.12%; 1 homozygote.

Submission:

Illumina Laboratory Services, Illumina
Classification: Benign for Von Hippel-Lindau syndrome. Last evaluated: 2018-01-13. Review status: criteria provided, single submitter. Criteria: ICSL Variant Classification Criteria 13 December 2019. Collection method: clinical testing. Allele origin: germline.
Comment: This variant was observed in the ICSL laboratory as part of a predisposition screen in an ostensibly healthy population. It had not been previously curated by ICSL or reported in the Human Gene Mutation Database (HGMD: prior to June 1st, 2018), and was therefore a candidate for classification through an automated scoring system. Utilizing variant allele frequency, disease prevalence and penetrance estimates, and inheritance mode, an automated score was calculated to assess if this variant is too frequent to cause the disease. Based on the score and internal cut-off values, a variant classified as benign is not then subjected to further curation. The score for this variant resulted in a classification of benign for this disease.